The following is an entry in ClinVar:

ClinVar aggregate classification (germline): Likely benign (0 of 4 stars; one submission).

Conditions:
MYH10-related disorder. Also called: MYH10-related condition.

Allele frequency attached by ClinVar (database versions not stated): gnomAD exomes 0.00001; ExAC 0.00002; gnomAD 0.00005; TOPMed 0.00006.
gnomAD v4.1: 25 of 1,563,724 alleles (0.0016%); highest among the groups gnomAD compares: African/African-American, 0.032%; no homozygotes.

Submission:

PreventionGenetics, part of Exact Sciences
Classification: Likely benign for MYH10-related condition. Last evaluated: 2019-06-06. Review status: no assertion criteria provided. Collection method: clinical testing. Allele origin: germline.
Comment: This variant is classified as likely benign based on ACMG/AMP sequence variant interpretation guidelines (Richards et al. 2015 PMID: 25741868, with internal and published modifications).

NM_001256012.3(MYH10):c.867T>C (p.Arg289=)

Gene: MYH10 (myosin heavy chain 10; minus strand). Cytogenetic location: 17p13.1.
Variant type: single nucleotide variant.
Coding change: c.867T>C on transcript NM_001256012.3 (MANE Select); coding-DNA position 867, T replaced by C.
Protein change: p.Arg289=; no amino-acid change (arginine 289 retained).
Molecular consequence: synonymous variant.
Genome position (GRCh38, 1-based): chr17:8,552,098, A>G on the plus strand (T>C on the coding strand, the complement: MYH10 is on the minus strand). VCF-style: chr17-8552098-A-G. GRCh37 (hg19) VCF-style: chr17-8455416-A-G.
Other names: c.864T>C, p.Arg288= (NM_001256095.2); c.867T>C, p.Arg289= (NM_001375266.1); c.837T>C, p.Arg279= (NM_005964.5).
Identifiers: ClinVar variation 3044619 (VCV003044619.2), dbSNP rs758205561, ClinGen allele CA8378031.